The following is an entry in ClinVar:

NM_024757.5(EHMT1):c.95T>C (p.Met32Thr)

Gene: EHMT1 (euchromatic histone lysine methyltransferase 1; plus strand). Cytogenetic location: 9q34.3.
Variant type: single nucleotide variant.
Coding change: c.95T>C on transcript NM_024757.5 (MANE Select); coding-DNA position 95, T replaced by C.
Protein change: p.Met32Thr; replaces methionine 32 with threonine.
Molecular consequence: missense variant. On other transcripts: initiator codon variant (2).
Genome position (GRCh38, 1-based): chr9:137,716,635, T>C. VCF-style: chr9-137716635-T-C. GRCh37 (hg19) VCF-style: chr9-140611087-T-C.
Other names: c.95T>C, p.Met32Thr (NM_001145527.2, NM_001354263.2, NM_001354611.2); c.2T>C, p.Met1Thr (NM_001354259.2, NM_001354612.2); short protein forms M32T, M1T.
Identifiers: ClinVar variation 568748 (VCV000568748.10), dbSNP rs1564627371, ClinGen allele CA375762074.
Genomic context (GRCh38, chr9:137,716,635, plus strand): 5'-GCCATGGAGAGCGTGGCCTGCAGTCAGTGACACTCGTTTCTTTGTTGGCAGAGACACCTA[T>C]GGCTGCCGATGAAGGCTCAGCAGAGAAACAGGCAGGAGAGGCCCACATGGCTGCGGACGG-3'
Protein context (NP_079033.4, residues 22-42): KTELLGEETP[Met32Thr]AADEGSAEKQ

ClinVar aggregate classification (germline): Uncertain significance (1 of 4 stars; one submission).

Conditions:
Kleefstra syndrome 1 (KLEFS1). Identifiers: Orphanet 261494, MedGen C0795833, MONDO:0027407, OMIM 610253.

Allele frequency attached by ClinVar (database versions not stated): gnomAD exomes below 0.00001.

Submission:

Labcorp Genetics (formerly Invitae), Labcorp
Classification: Uncertain significance for Kleefstra syndrome 1. Last evaluated: 2024-01-15. Review status: criteria provided, single submitter. Criteria: Invitae Variant Classification Sherloc (09022015). Collection method: clinical testing. Allele origin: germline.
Comment: This sequence change replaces methionine, which is neutral and non-polar, with threonine, which is neutral and polar, at codon 32 of the EHMT1 protein (p.Met32Thr). This variant is not present in population databases (gnomAD no frequency). This variant has not been reported in the literature in individuals affected with EHMT1-related conditions. ClinVar contains an entry for this variant (Variation ID: 568748). An algorithm developed to predict the effect of missense changes on protein structure and function (PolyPhen-2) suggests that this variant is likely to be disruptive. In summary, the available evidence is currently insufficient to determine the role of this variant in disease. Therefore, it has been classified as a Variant of Uncertain Significance.